The following is an entry in ClinVar:

ClinVar aggregate classification (germline): Uncertain significance (1 of 4 stars; one submission).

Conditions:
Hyperphosphatasia with impaired intellectual development syndrome 2. Also called: Hyperphosphatasia with intellectual disability syndrome 2; GLYCOSYLPHOSPHATIDYLINOSITOL BIOSYNTHESIS DEFECT 6. Identifiers: Orphanet 247262, MedGen C3553637, MONDO:0013882, OMIM 614749.

Allele frequency attached by ClinVar (database versions not stated): TOPMed below 0.00001.
gnomAD v4.1: 4 of 1,614,284 alleles (0.00025%); highest among the groups gnomAD compares: Non-Finnish European, 0.00034%; no homozygotes.

Submission:

Labcorp Genetics (formerly Invitae), Labcorp
Classification: Uncertain significance for Hyperphosphatasia with impaired intellectual development syndrome 2. Last evaluated: 2024-02-16. Review status: criteria provided, single submitter. Criteria: Invitae Variant Classification Sherloc (09022015). Collection method: clinical testing. Allele origin: germline.
Comment: This sequence change replaces methionine, which is neutral and non-polar, with isoleucine, which is neutral and non-polar, at codon 996 of the PIGO protein (p.Met996Ile). This variant is not present in population databases (gnomAD no frequency). This variant has not been reported in the literature in individuals affected with PIGO-related conditions. ClinVar contains an entry for this variant (Variation ID: 1348418). An algorithm developed to predict the effect of missense changes on protein structure and function (PolyPhen-2) suggests that this variant is likely to be tolerated. In summary, the available evidence is currently insufficient to determine the role of this variant in disease. Therefore, it has been classified as a Variant of Uncertain Significance.

NM_032634.4(PIGO):c.2988G>C (p.Met996Ile)

Gene: PIGO (phosphatidylinositol glycan anchor biosynthesis class O; minus strand). Cytogenetic location: 9p13.3.
Variant type: single nucleotide variant.
Coding change: c.2988G>C on transcript NM_032634.4 (MANE Select); coding-DNA position 2988, G replaced by C.
Protein change: p.Met996Ile; replaces methionine 996 with isoleucine.
Molecular consequence: missense variant.
Genome position (GRCh38, 1-based): chr9:35,090,147, C>G on the plus strand (G>C on the coding strand, the complement: PIGO is on the minus strand). VCF-style: chr9-35090147-C-G. GRCh37 (hg19) VCF-style: chr9-35090144-C-G.
Other names: c.1737G>C, p.Met579Ile (NM_152850.4, NM_001201484.2); short protein forms M996I, M579I.
Identifiers: ClinVar variation 1348418 (VCV001348418.8), dbSNP rs759177338, ClinGen allele CA373317736.